The following is an entry in ClinVar:

NM_052947.4(ALPK2):c.1900G>A (p.Gly634Ser)

Gene: ALPK2 (alpha kinase 2; minus strand). Cytogenetic location: 18q21.31.
Variant type: single nucleotide variant.
Coding change: c.1900G>A on transcript NM_052947.4 (MANE Select); coding-DNA position 1900, G replaced by A.
Protein change: p.Gly634Ser; replaces glycine 634 with serine.
Molecular consequence: missense variant.
Genome position (GRCh38, 1-based): chr18:58,578,876, C>T on the plus strand (G>A on the coding strand, the complement: ALPK2 is on the minus strand). VCF-style: chr18-58578876-C-T. GRCh37 (hg19) VCF-style: chr18-56246108-C-T.
Other names: short protein forms G634S.
Identifiers: ClinVar variation 3288577 (VCV003288577.1).
Genomic context (GRCh38, chr18:58,578,876, plus strand): 5'-GAGGAGGATCACTCCAGTCTGGAACCTGGCTTGTTTCAAATAGAGTATTAACTTGCATGC[C>T]TTCTCCCTTGCAATTTGTGTTGCCTTCTTTGGAGACTGAGTCTGTTGAAGTTTGAAGGGT-3'
Protein context (NP_443179.3, residues 624-644): KEGNTNCKGE[Gly634Ser]MQVNTLFETS

ClinVar aggregate classification (germline): Uncertain significance (1 of 4 stars; one submission).

Submission:

Ambry Genetics
Classification: Uncertain significance. Last evaluated: 2024-05-11. Review status: criteria provided, single submitter. Criteria: Ambry Variant Classification Scheme 2023. Collection method: clinical testing. Allele origin: germline.
Comment: The p.G634S variant (also known as c.1900G>A), located in coding exon 3 of the ALPK2 gene, results from a G to A substitution at nucleotide position 1900. The glycine at codon 634 is replaced by serine, an amino acid with similar properties. This amino acid position is conserved. In addition, this alteration is predicted to be tolerated by in silico analysis. Based on the available evidence, the clinical significance of this variant remains unclear.